The following is an entry in ClinVar:

ClinVar aggregate classification (germline): Likely benign (0 of 4 stars; one submission).

Conditions:
PRR4-related disorder. Also called: PRR4-related condition.

Allele frequency attached by ClinVar (database versions not stated): gnomAD 0.00013.

Submission:

PreventionGenetics, part of Exact Sciences
Classification: Likely benign for PRR4-related condition. Last evaluated: 2019-06-21. Review status: no assertion criteria provided. Collection method: clinical testing. Allele origin: germline.
Comment: This variant is classified as likely benign based on ACMG/AMP sequence variant interpretation guidelines (Richards et al. 2015 PMID: 25741868, with internal and published modifications).

NM_007244.3(PRR4):c.*18+3A>C

Genes: PRH1-PRR4 (PRH1-PRR4 readthrough; minus strand), PRR4 (proline rich 4; minus strand). Cytogenetic location: 12p13.2.
Variant type: single nucleotide variant.
Coding change: c.*18+3A>C on transcript NM_007244.3 (MANE Select); 3 bases into the intron after 18 bases downstream of the stop codon, A replaced by C.
Molecular consequence: intron variant.
Genome position (GRCh38, 1-based): chr12:10,847,042, T>G on the plus strand (A>C on the coding strand, the complement: PRR4 is on the minus strand). VCF-style: chr12-10847042-T-G. GRCh37 (hg19) VCF-style: chr12-10999641-T-G.
Other names: c.191+3A>C (NM_001098538.3).
Identifiers: ClinVar variation 3042965 (VCV003042965.2), dbSNP rs749269147, ClinGen allele CA6448856.
Genomic context (GRCh38, chr12:10,847,042, plus strand): 5'-CACGATAAAGTTTGGGAATGGTAGCAGTTTGGGCATTTAATGGAGAATGAACTGGAATCA[T>G]ACCTGCCACTGAATTCTAGATTACCAGAGTGGTTGCTCCTGGGGATGTCTTGCTGGTCTG-3'